The following is an entry in ClinVar:

NM_001099403.2(PRDM8):c.259A>G (p.Met87Val)

Genes: PRDM8 (PR/SET domain 8; plus strand), LOC126807094 (CDK7 strongly-dependent group 2 enhancer GRCh37_chr4:81121978-81123177; plus strand). Cytogenetic location: 4q21.21.
Variant type: single nucleotide variant.
Coding change: c.259A>G on transcript NM_001099403.2 (MANE Select); coding-DNA position 259, A replaced by G.
Protein change: p.Met87Val; replaces methionine 87 with valine.
Molecular consequence: missense variant.
Genome position (GRCh38, 1-based): chr4:80,201,329, A>G. VCF-style: chr4-80201329-A-G. GRCh37 (hg19) VCF-style: chr4-81122483-A-G.
Other names: c.259A>G, p.Met87Val (NM_020226.4); short protein forms M87V.
Identifiers: ClinVar variation 2015490 (VCV002015490.4), dbSNP rs2475909260, ClinGen allele CA357392555.

ClinVar aggregate classification (germline): Uncertain significance (1 of 4 stars; one submission).

Conditions:
Early-onset Lafora body disease. Also called: Epilepsy, progressive myoclonic, 10. Identifiers: Orphanet 324290, MedGen C4225258, MONDO:0014717, OMIM 616640.

Allele frequency attached by ClinVar (database versions not stated): gnomAD exomes below 0.00001.
gnomAD v4.1: 1 of 1,614,236 alleles (0.000062%); highest among the groups gnomAD compares: Non-Finnish European, 0.000085%; no homozygotes.

Submission:

Labcorp Genetics (formerly Invitae), Labcorp
Classification: Uncertain significance for Early-onset Lafora body disease. Last evaluated: 2022-11-15. Review status: criteria provided, single submitter. Criteria: Invitae Variant Classification Sherloc (09022015). Collection method: clinical testing. Allele origin: germline.
Comment: This variant has not been reported in the literature in individuals affected with PRDM8-related conditions. This variant is not present in population databases (gnomAD no frequency). This sequence change replaces methionine, which is neutral and non-polar, with valine, which is neutral and non-polar, at codon 87 of the PRDM8 protein (p.Met87Val). Advanced modeling of protein sequence and biophysical properties (such as structural, functional, and spatial information, amino acid conservation, physicochemical variation, residue mobility, and thermodynamic stability) has been performed at Invitae for this missense variant, however the output from this modeling did not meet the statistical confidence thresholds required to predict the impact of this variant on PRDM8 protein function. In summary, the available evidence is currently insufficient to determine the role of this variant in disease. Therefore, it has been classified as a Variant of Uncertain Significance.